The following is an entry in ClinVar:

NM_002878.4(RAD51D):c.417A>C (p.Gly139=)

Genes: RAD51L3-RFFL (RAD51L3-RFFL readthrough; minus strand), RAD51D (RAD51 paralog D; minus strand). Cytogenetic location: 17q12.
Variant type: single nucleotide variant.
Coding change: c.417A>C on transcript NM_002878.4 (MANE Select); coding-DNA position 417, A replaced by C.
Protein change: p.Gly139=; no amino-acid change (glycine 139 retained).
Molecular consequence: synonymous variant. On other transcripts: non-coding transcript variant (1), intron variant (1).
Genome position (GRCh38, 1-based): chr17:35,107,051, T>G on the plus strand (A>C on the coding strand, the complement: RAD51D is on the minus strand). VCF-style: chr17-35107051-T-G. GRCh37 (hg19) VCF-style: chr17-33434070-T-G.
Other names: c.477A>C, p.Gly159= (NM_001142571.2); c.145-570A>C (NM_133629.3).
Identifiers: ClinVar variation 185278 (VCV000185278.17), dbSNP rs786202049, ClinGen allele CA191512.

ClinVar aggregate classification (germline): Benign/Likely benign. Review status: criteria provided, multiple submitters, no conflicts (2 of 4 stars). 4 submissions from 4 submitters: Benign (1); Likely benign (3). Last evaluated 2025-02-21.

Conditions:
Hereditary cancer-predisposing syndrome. Also called: Hereditary neoplastic syndrome; Neoplastic Syndromes, Hereditary; Tumor predisposition; Hereditary Cancer Syndrome. Identifiers: Orphanet 140162, MedGen C0027672, MeSH D009386, MONDO:0015356.
Breast-ovarian cancer, familial, susceptibility to, 4. Identifiers: Orphanet 145, MedGen C3280345, MONDO:0013669, OMIM 614291.

Allele frequency attached by ClinVar (database versions not stated): TOPMed 0.00001.

Submissions (4):

Myriad Genetics, Inc.
Classification: Benign for Breast-ovarian cancer, familial, susceptibility to, 4. Last evaluated: 2025-02-21. Review status: criteria provided, single submitter. Criteria: Myriad Autosomal Dominant, Autosomal Recessive and X-Linked Classification Criteria (2023). Collection method: clinical testing. Allele origin: unknown.
Comment: This variant is considered benign. This variant is a silent/synonymous amino acid change and it is not expected to impact splicing.

Color Diagnostics, LLC DBA Color Health
Classification: Likely benign for Hereditary cancer-predisposing syndrome. Last evaluated: 2024-05-04. Review status: criteria provided, single submitter. Criteria: ACMG Guidelines, 2015. Collection method: clinical testing. Allele origin: germline.

Labcorp Genetics (formerly Invitae), Labcorp
Classification: Likely benign for Breast-ovarian cancer, familial, susceptibility to, 4. Last evaluated: 2023-01-26. Review status: criteria provided, single submitter. Criteria: Invitae Variant Classification Sherloc (09022015). Collection method: clinical testing. Allele origin: germline.

Ambry Genetics
Classification: Likely benign for Hereditary cancer-predisposing syndrome. Last evaluated: 2014-08-15. Review status: criteria provided, single submitter. Criteria: Ambry Variant Classification Scheme 2023. Collection method: clinical testing. Allele origin: germline.